The following is an entry in ClinVar:

ClinVar aggregate classification (germline): Benign. Review status: criteria provided, multiple submitters, no conflicts (2 of 4 stars). 4 submissions from 4 submitters: Benign (3). 1 of the submissions does not count toward it. Last evaluated 2026-07-01.

Conditions:
WIPF1-related disorder. Also called: WIPF1-related condition.
Wiskott-Aldrich syndrome 2 (WAS2). Also called: WIPF1 DEFICIENCY. Identifiers: Orphanet 906, MedGen C3281001, MONDO:0013779, OMIM 614493.

Allele frequency attached by ClinVar (database versions not stated): gnomAD exomes 0.00037 and 0.00104; ExAC 0.00127; gnomAD 0.00385 and 0.00414; 1000 Genomes Project 0.00399; TOPMed 0.00475; 1000 Genomes Project 30x 0.00500; ESP Exome Variant Server 0.00561.
gnomAD v4.1: 1,167 of 1,611,288 alleles (0.072%); highest among the groups gnomAD compares: African/African-American, 1.4%; 17 homozygotes.

Submissions (4):

CeGaT Center for Human Genetics Tuebingen
Classification: Benign. Last evaluated: 2026-07-01. Review status: criteria provided, single submitter. Criteria: CeGaT Center For Human Genetics Tuebingen Variant Classification Criteria Version 2. Collection method: clinical testing. Allele origin: germline. Affected: yes. Observed: 1 variant allele.
Comment: WIPF1: BP4, BP7, BS1, BS2

Labcorp Genetics (formerly Invitae), Labcorp
Classification: Benign for Wiskott-Aldrich syndrome 2. Last evaluated: 2026-01-06. Review status: criteria provided, single submitter. Criteria: Invitae Variant Classification Sherloc (09022015). Collection method: clinical testing. Allele origin: germline.

Mayo Clinic Laboratories, Mayo Clinic
Classification: Benign. Last evaluated: 2025-07-29. Review status: criteria provided, single submitter. Criteria: ACMG Guidelines, 2015. Collection method: clinical testing. Allele origin: germline. Observed: 9 variant alleles.
Comment: BS1, BS2, BP4, BP7

PreventionGenetics, part of Exact Sciences
Classification: Benign for WIPF1-related condition. Last evaluated: 2019-04-11. Review status: no assertion criteria provided. Collection method: clinical testing. Allele origin: germline. Not counted in ClinVar's aggregate classification.
Comment: This variant is classified as benign based on ACMG/AMP sequence variant interpretation guidelines (Richards et al. 2015 PMID: 25741868, with internal and published modifications).

NM_001375834.1(WIPF1):c.1296A>G (p.Pro432=)

Gene: WIPF1 (WAS/WASL interacting protein family member 1; minus strand). Cytogenetic location: 2q31.1.
Variant type: single nucleotide variant.
Coding change: c.1296A>G on transcript NM_001375834.1 (MANE Select); coding-DNA position 1296, A replaced by G.
Protein change: p.Pro432=; no amino-acid change (proline 432 retained).
Molecular consequence: synonymous variant.
Genome position (GRCh38, 1-based): chr2:174,567,907, T>C on the plus strand (A>G on the coding strand, the complement: WIPF1 is on the minus strand). VCF-style: chr2-174567907-T-C. GRCh37 (hg19) VCF-style: chr2-175432635-T-C.
Other names: p.Pro432=; c.1296A>G, p.Pro432= (NM_001077269.1, NM_001375832.1, NM_001375833.1 and 2 more transcripts); c.918A>G, p.Pro306= (NM_001375839.1).
Identifiers: ClinVar variation 540148 (VCV000540148.16), dbSNP rs76731102, ClinGen allele CA1973938.